The following is an entry in ClinVar:

ClinVar aggregate classification (germline): Pathogenic (1 of 4 stars; one submission).

Conditions:
Coffin-Siris syndrome 12. Identifiers: MedGen C5444111, MONDO:0025699, OMIM 619325.

Submission:

Variantyx, Inc.
Classification: Pathogenic for Coffin-Siris syndrome 12. Last evaluated: 2025-10-15. Review status: criteria provided, single submitter. Criteria: Variantyx Assertion Criteria 2022. Collection method: clinical testing. Allele origin: de novo. Inheritance: Autosomal dominant inheritance. Affected: yes.
Comment: This is a frameshift variant in the BICRA gene (OMIM: 605690). Pathogenic variants in this gene have been associated with autosomal dominant Coffin-Siris syndrome 12. The alteration introduces a premature termination codon in exon 6 out of 15 and is expected to disrupt the C-terminal region of protein. While loss of function is a known disease mechanism for BICRA in this disorder, the functional consequence of this variant cannot be predicted with confidence (PMID: 33232675) (PVS1_Strong). This variant has a 0.0032% maximum allele frequency in non-founder control populations (PM2) and it has not been reported in individuals with BICRA-related disorders in the databases available for review. Based on the current evidence, this variant is classified as pathogenic for autosomal dominant Coffin-Siris syndrome 12.

Literature cited by the submitters: PubMed 33232675.

NM_001394372.1(BICRA):c.853del (p.Ala285fs)

Gene: BICRA (BRD4 interacting chromatin remodeling complex associated protein; plus strand). Cytogenetic location: 19q13.33.
Variant type: Deletion.
Coding change: c.853del on transcript NM_001394372.1 (MANE Select); coding-DNA position 853, one base deleted (G; older notation c.853delG).
Protein change: p.Ala285fs; shifts the reading frame from alanine 285.
Molecular consequence: frameshift variant.
Genome position (GRCh38, 1-based): chr19:47,680,023, G deleted; the last of 5 consecutive G bases (chr19:47,680,019-47,680,023); deleting any one gives the same sequence. VCF-style (leftmost placement, unchanged base first): chr19-47680018-AG-A. GRCh37 (hg19) VCF-style: chr19-48183275-AG-A.
Other names: c.853del, p.Ala285fs (NM_015711.3); short protein forms A285fs.
Identifiers: ClinVar variation 4850782 (VCV004850782.1).
Genomic context (GRCh38, chr19:47,680,018, plus strand): 5'-TGGCCTCGGCGGCTGGCCCCTCGGAGCCCGTGACGCTGGCGTCGGCCGGTGTCTCGCCAC[AG>A]GGGGCTGGCCTGGTCATCCAGAAGAACCTCTCGGCCGCTGTGGCCACCACGCTCAATGGG-3'